The following is an entry in ClinVar:

NM_000037.4(ANK1):c.1028A>G (p.His343Arg)

Gene: ANK1 (ankyrin 1; minus strand). Cytogenetic location: 8p11.21.
Variant type: single nucleotide variant.
Coding change: c.1028A>G on transcript NM_000037.4 (MANE Select); coding-DNA position 1028, A replaced by G.
Protein change: p.His343Arg; replaces histidine 343 with arginine.
Molecular consequence: missense variant.
Genome position (GRCh38, 1-based): chr8:41,719,740, T>C on the plus strand (A>G on the coding strand, the complement: ANK1 is on the minus strand). VCF-style: chr8-41719740-T-C. GRCh37 (hg19) VCF-style: chr8-41577258-T-C.
Other names: c.1127A>G, p.His376Arg (NM_001142446.2); c.1028A>G, p.His343Arg (NM_020475.3, NM_020476.3, NM_020477.3); short protein forms H343R, H376R.
Identifiers: ClinVar variation 4535148 (VCV004535148.6).
Genomic context (GRCh38, chr8:41,719,740, plus strand): 5'-TTGGCCCCTTTATCCAGAAGGACCTTAGCCACCCTGTGGTGTCCACAGTGGGCAGCCACG[T>C]GGAGTGGGGTCAGGTGGTCCAGGGTGATGTCGTCTATCTCTGCGTCGTATTGCAACAGGA-3'
Protein context (NP_000028.3, residues 333-353): DITLDHLTPL[His343Arg]VAAHCGHHRV

ClinVar aggregate classification (germline): Uncertain significance (1 of 4 stars; one submission).

Submission:

CeGaT Center for Human Genetics Tuebingen
Classification: Uncertain significance. Last evaluated: 2025-11-01. Review status: criteria provided, single submitter. Criteria: CeGaT Center For Human Genetics Tuebingen Variant Classification Criteria Version 2. Collection method: clinical testing. Allele origin: germline. Affected: yes. Observed: 1 variant allele.
Comment: ANK1: PM2, PP3